The following is an entry in ClinVar:

ClinVar aggregate classification (germline): Uncertain significance (1 of 4 stars; one submission).

Allele frequency attached by ClinVar (database versions not stated): TOPMed below 0.00001; gnomAD 0.00001.
gnomAD v4.1: 1 of 1,613,922 alleles (0.000062%); highest among the groups gnomAD compares: Non-Finnish European, 0.000085%; no homozygotes.

Submission:

Labcorp Genetics (formerly Invitae), Labcorp
Classification: Uncertain significance. Last evaluated: 2022-12-31. Review status: criteria provided, single submitter. Criteria: Invitae Variant Classification Sherloc (09022015). Collection method: clinical testing. Allele origin: germline.
Comment: In summary, the available evidence is currently insufficient to determine the role of this variant in disease. Therefore, it has been classified as a Variant of Uncertain Significance. Algorithms developed to predict the effect of missense changes on protein structure and function (SIFT, PolyPhen-2, Align-GVGD) all suggest that this variant is likely to be disruptive. This variant has not been reported in the literature in individuals affected with PLOD3-related conditions. This variant is not present in population databases (gnomAD no frequency). This sequence change replaces glycine, which is neutral and non-polar, with arginine, which is basic and polar, at codon 160 of the PLOD3 protein (p.Gly160Arg).

NM_001084.5(PLOD3):c.478G>A (p.Gly160Arg)

Gene: PLOD3 (procollagen-lysine,2-oxoglutarate 5-dioxygenase 3; minus strand). Cytogenetic location: 7q22.1.
Variant type: single nucleotide variant.
Coding change: c.478G>A on transcript NM_001084.5 (MANE Select); coding-DNA position 478, G replaced by A.
Protein change: p.Gly160Arg; replaces glycine 160 with arginine.
Molecular consequence: missense variant.
Genome position (GRCh38, 1-based): chr7:101,216,187, C>T on the plus strand (G>A on the coding strand, the complement: PLOD3 is on the minus strand). VCF-style: chr7-101216187-C-T. GRCh37 (hg19) VCF-style: chr7-100859468-C-T.
Other names: short protein forms G160R.
Identifiers: ClinVar variation 2825226 (VCV002825226.3), dbSNP rs1373431686, ClinGen allele CA368625119.